The following is an entry in ClinVar:

NM_024675.4(PALB2):c.1440del (p.Lys480fs)

Gene: PALB2 (partner and localizer of BRCA2; minus strand). Cytogenetic location: 16p12.2.
Variant type: Deletion.
Coding change: c.1440del on transcript NM_024675.4 (MANE Select); coding-DNA position 1440, one base deleted (A; older notation c.1440delA).
Protein change: p.Lys480fs; shifts the reading frame from lysine 480.
Molecular consequence: frameshift variant.
Genome position (GRCh38, 1-based): chr16:23,635,106, T deleted on the plus strand (A on the coding strand, the reverse complement: PALB2 is on the minus strand); the first of 3 consecutive T bases (chr16:23,635,106-23,635,108); deleting any one gives the same sequence. VCF-style (leftmost placement, unchanged base first): chr16-23635105-GT-G. GRCh37 (hg19) VCF-style: chr16-23646426-GT-G.
Other names: c.1440delA (NM_024675.3); short protein forms K480fs.
Identifiers: ClinVar variation 486003 (VCV000486003.19), dbSNP rs1555461278, ClinGen allele CA658658423.

ClinVar aggregate classification (germline): Pathogenic. Review status: criteria provided, multiple submitters, no conflicts (2 of 4 stars). 4 submissions from 4 submitters: Pathogenic (4). Last evaluated 2025-08-09.

Conditions:
Hereditary cancer-predisposing syndrome. Also called: Tumor predisposition; Hereditary Cancer Syndrome; Hereditary neoplastic syndrome; Neoplastic Syndromes, Hereditary. Identifiers: Orphanet 140162, MedGen C0027672, MeSH D009386, MONDO:0015356.
Familial cancer of breast. Also called: hereditary breast carcinoma; BREAST CANCER, FAMILIAL; Hereditary breast cancer. Identifiers: Orphanet 227535, MedGen C0346153, MONDO:0016419, OMIM 114480. Disease mechanism: loss of function.

Submissions (4):

Labcorp Genetics (formerly Invitae), Labcorp
Classification: Pathogenic for Familial cancer of breast. Last evaluated: 2025-08-09. Review status: criteria provided, single submitter. Criteria: Invitae Variant Classification Sherloc (09022015). Collection method: clinical testing. Allele origin: germline.
Comment: This sequence change creates a premature translational stop signal (p.Lys480Asnfs*5) in the PALB2 gene. It is expected to result in an absent or disrupted protein product. Loss-of-function variants in PALB2 are known to be pathogenic (PMID: 17200668, 17200671, 17200672, 24136930, 25099575). This variant is not present in population databases (gnomAD no frequency). This variant has not been reported in the literature in individuals affected with PALB2-related conditions. ClinVar contains an entry for this variant (Variation ID: 486003). For these reasons, this variant has been classified as Pathogenic.

Ambry Genetics
Classification: Pathogenic for Hereditary cancer-predisposing syndrome. Last evaluated: 2024-07-16. Review status: criteria provided, single submitter. Criteria: Ambry Variant Classification Scheme 2023. Collection method: clinical testing. Allele origin: germline.
Comment: The c.1440delA pathogenic mutation, located in coding exon 4 of the PALB2 gene, results from a deletion of one nucleotide at nucleotide position 1440, causing a translational frameshift with a predicted alternate stop codon (p.K480Nfs*5). This alteration is expected to result in loss of function by premature protein truncation or nonsense-mediated mRNA decay. As such, this alteration is interpreted as a disease-causing mutation.

Myriad Genetics, Inc.
Classification: Pathogenic for Familial cancer of breast. Last evaluated: 2023-09-08. Review status: criteria provided, single submitter. Criteria: Myriad Autosomal Dominant, Autosomal Recessive and X-Linked Classification Criteria (2023). Collection method: clinical testing. Allele origin: unknown.
Comment: This variant is considered pathogenic. This variant creates a frameshift predicted to result in premature protein truncation.

Color Diagnostics, LLC DBA Color Health
Classification: Pathogenic for Hereditary cancer-predisposing syndrome. Last evaluated: 2020-03-19. Review status: criteria provided, single submitter. Criteria: ACMG Guidelines, 2015. Collection method: clinical testing. Allele origin: germline.
Comment: This variant deletes 1 nucleotide in exon 4 of the PALB2 gene, creating a frameshift and premature translation stop signal. This variant is expected to result in an absent or non-functional protein product. To our knowledge, this variant has not been reported in individuals affected with hereditary cancer in the literature. This variant has not been identified in the general population by the Genome Aggregation Database (gnomAD). Loss of PALB2 function is a known mechanism of disease. Based on the available evidence, this variant is classified as Pathogenic.

Literature cited by the submitters: PubMed 17200668 (cited by Labcorp Genetics (formerly Invitae), Labcorp); PubMed 17200671 (cited by Labcorp Genetics (formerly Invitae), Labcorp); PubMed 17200672 (cited by Labcorp Genetics (formerly Invitae), Labcorp); PubMed 24136930 (cited by Labcorp Genetics (formerly Invitae), Labcorp); PubMed 25099575 (cited by Labcorp Genetics (formerly Invitae), Labcorp).